The following is an entry in ClinVar:

NM_001374828.1(ARID1B):c.6094del (p.Gln2032fs)

Gene: ARID1B (AT-rich interaction domain 1B; plus strand). Cytogenetic location: 6q25.3.
Variant type: Deletion.
Coding change: c.6094del on transcript NM_001374828.1 (MANE Select); coding-DNA position 6094, one base deleted (C; older notation c.6094delC).
Protein change: p.Gln2032fs; shifts the reading frame from glutamine 2032.
Molecular consequence: frameshift variant.
Genome position (GRCh38, 1-based): chr6:157,206,866, C deleted. VCF-style (leftmost placement, unchanged base first): chr6-157206865-GC-G. GRCh37 (hg19) VCF-style: chr6-157527999-GC-G.
Other names: c.5845del (NM_001346813.1); c.3595del, p.Gln1199fs (NM_001363725.2); c.5974del, p.Gln1992fs (NM_001371656.1, NM_001374820.1); c.5935del, p.Gln1979fs (NM_017519.3); short protein forms Q1199fs, Q1979fs, Q1992fs, Q2032fs.
Identifiers: ClinVar variation 1320053 (VCV001320053.1), dbSNP rs2128394676, ClinGen allele CA2573052631.
Genomic context (GRCh38, chr6:157,206,865, plus strand): 5'-GCCTGAAGACGCAAACCCTGGGCCCCAGACCGAAAGCAGTAAGTTTCCCTTTGGTATCCA[GC>G]AAGCCAAAAGTCACCGGAACATCAAGCTGCTGGAGGACGAGCCCAGGAGCCGAGACGAGA-3'

ClinVar aggregate classification (germline): Pathogenic (1 of 4 stars; one submission).

Conditions:
Coffin-Siris syndrome 1 (CSS1). Also called: Mental retardation, autosomal dominant 12; ARID1B-Related Coffin-Siris Syndrome. Identifiers: Orphanet 1465, MedGen C3281201, MONDO:0007617, OMIM 135900. Disease mechanism: gain of function.

Submission:

3billion
Classification: Pathogenic for Coffin-Siris syndrome 1. Last evaluated: 2021-10-02. Review status: criteria provided, single submitter. Criteria: ACMG Guidelines, 2015. Collection method: clinical testing. Allele origin: germline. Affected: yes. Observed: 1 heterozygote.
Comment: Frameshift: predicted to result in a loss or disruption of normal protein function through nonsense-mediated decay (NMD) or protein truncation. Multiple pathogenic variants are reported downstream of the variant (PVS1_VS). It is not observed in the gnomAD v2.1.1 dataset (PM2). The variant was observed as assumed (i.e. paternity and maternity not confirmed) de novoo (3billion dataset, PM6). Patient's phenotype is considered compatible with Coffin-Siris Syndrome 1 (3billion dataset, PP4). Therefore, this variant is classified as pathogenic according to the recommendation of ACMG/AMP guideline.